The following is an entry in ClinVar:

ClinVar aggregate classification (germline): Likely benign (0 of 4 stars; one submission).

Conditions:
DLC1-related disorder. Also called: DLC1-related condition.

gnomAD v4.1: 12 of 1,612,308 alleles (0.00074%); highest among the groups gnomAD compares: Non-Finnish European, 0.00093%; no homozygotes.

Submission:

PreventionGenetics, part of Exact Sciences
Classification: Likely benign for DLC1-related condition. Last evaluated: 2022-12-19. Review status: no assertion criteria provided. Collection method: clinical testing. Allele origin: germline.
Comment: This variant is classified as likely benign based on ACMG/AMP sequence variant interpretation guidelines (Richards et al. 2015 PMID: 25741868, with internal and published modifications).

NM_182643.3(DLC1):c.2151C>T (p.Ser717=)

Gene: DLC1 (DLC1 Rho GTPase activating protein; minus strand). Cytogenetic location: 8p22.
Variant type: single nucleotide variant.
Coding change: c.2151C>T on transcript NM_182643.3 (MANE Select); coding-DNA position 2151, C replaced by T.
Protein change: p.Ser717=; no amino-acid change (serine 717 retained).
Molecular consequence: synonymous variant.
Genome position (GRCh38, 1-based): chr8:13,100,186, G>A on the plus strand (C>T on the coding strand, the complement: DLC1 is on the minus strand). VCF-style: chr8-13100186-G-A. GRCh37 (hg19) VCF-style: chr8-12957695-G-A.
Other names: c.618C>T, p.Ser206= (NM_001164271.2, NM_001348082.2, NM_001348083.1 and 6 more transcripts); c.942C>T, p.Ser314= (NM_001316668.2, NM_001413129.1); c.2151C>T, p.Ser717= (NM_001348081.2, NM_001413124.1); c.933C>T, p.Ser311= (NM_001413130.1); c.591C>T, p.Ser197= (NM_001413131.1, NM_001413137.1); c.1077C>T, p.Ser359= (NM_001413132.1); c.840C>T, p.Ser280= (NM_001413135.1, NM_001413136.1, NM_001413139.1 and 1 more transcripts); c.975C>T, p.Ser325= (NM_001413140.1).
Identifiers: ClinVar variation 3356410 (VCV003356410.1).